The following is an entry in ClinVar:

ClinVar aggregate classification (germline): Likely benign (1 of 4 stars; one submission).

Allele frequency attached by ClinVar (database versions not stated): gnomAD exomes below 0.00001; gnomAD 0.00004; TOPMed 0.00004.
gnomAD v4.1: 8 of 983,088 alleles (0.00081%); highest among the groups gnomAD compares: African/African-American, 0.014%; no homozygotes.

Submission:

GeneDx
Classification: Likely benign. Last evaluated: 2012-05-09. Review status: criteria provided, single submitter. Criteria: GeneDx Variant Classification (06012015). Collection method: clinical testing. Allele origin: germline. Affected: yes.
Comment: This variant is considered likely benign or benign based on one or more of the following criteria: it is a conservative change, it occurs at a poorly conserved position in the protein, it is predicted to be benign by multiple in silico algorithms, and/or has population frequency not consistent with disease.

NM_001083962.2(TCF4):c.-29G>A

Gene: TCF4 (transcription factor 4; minus strand). Cytogenetic location: 18q21.2.
Variant type: single nucleotide variant.
Coding change: c.-29G>A on transcript NM_001083962.2 (MANE Select); 29 bases upstream of the start codon, G replaced by A.
Molecular consequence: 5 prime UTR variant. On other transcripts: intron variant (14).
Genome position (GRCh38, 1-based): chr18:55,588,046, C>T on the plus strand (G>A on the coding strand, the complement: TCF4 is on the minus strand). VCF-style: chr18-55588046-C-T. GRCh37 (hg19) VCF-style: chr18-53255277-C-T.
Other names: c.-29G>A (NM_001330604.3, NM_001369570.1, NM_001369573.1 and 2 more transcripts); c.-9G>A (NM_001369575.1, NM_001369578.1, NM_001369579.1 and 2 more transcripts); c.287-910G>A (NM_001243226.3); c.-1+1251G>A (NM_001369584.1, NM_001369576.1, NM_001369577.1 and 3 more transcripts); c.-20-910G>A (NM_001369571.1, NM_001369567.1, NM_001243228.2); c.66+424G>A (NM_001243230.2); c.-21+424G>A (NM_001369569.1, NM_001369572.1, NM_001369568.1).
Identifiers: ClinVar variation 207522 (VCV000207522.1), dbSNP rs796053410, ClinGen allele CA319084.